The following is an entry in ClinVar:

ClinVar aggregate classification (germline): Likely benign. Review status: criteria provided, multiple submitters, no conflicts (2 of 4 stars). 2 submissions from 2 submitters: Likely benign (2). Last evaluated 2026-09-21.

Conditions:
FHOD3-related disorder. Also called: FHOD3-related condition.

gnomAD v4.1: 364 of 1,613,022 alleles (0.023%); highest among the groups gnomAD compares: Non-Finnish European, 0.029%; no homozygotes.

Submissions (2):

Molecular Diagnostic Laboratory for Inherited Cardiovascular Disease, Montreal Heart Institute
Classification: Likely benign. Last evaluated: 2026-09-21. Review status: criteria provided, single submitter. Criteria: ACMG Guidelines, 2015. Collection method: clinical testing. Allele origin: germline. Affected: no.

PreventionGenetics, part of Exact Sciences
Classification: Likely benign for FHOD3-related condition. Last evaluated: 2026-07-13. Review status: criteria provided, single submitter. Criteria: ACMG Guidelines, 2015. Collection method: clinical testing. Allele origin: germline.
Comment: This variant is classified as likely benign based on ACMG/AMP sequence variant interpretation guidelines (Richards et al. 2015 PMID: 25741868, with internal and published modifications).

NM_001281740.3(FHOD3):c.4087A>C (p.Arg1363=)

Gene: FHOD3 (formin homology 2 domain containing 3; plus strand). Cytogenetic location: 18q12.2.
Variant type: single nucleotide variant.
Coding change: c.4087A>C on transcript NM_001281740.3 (MANE Select); coding-DNA position 4087, A replaced by C.
Protein change: p.Arg1363=; no amino-acid change (arginine 1363 retained).
Molecular consequence: synonymous variant.
Genome position (GRCh38, 1-based): chr18:36,746,990, A>C. VCF-style: chr18-36746990-A-C. GRCh37 (hg19) VCF-style: chr18-34326953-A-C.
Other names: c.3511A>C, p.Arg1171= (NM_001281739.3); c.3562A>C, p.Arg1188= (NM_025135.5).
Identifiers: ClinVar variation 4981294 (VCV004981294.2), dbSNP rs149376582.
Genomic context (GRCh38, chr18:36,746,990, plus strand): 5'-CGCTCTGATTTTCAGGTTGACTTTGATCAACTTCAGGATAATTTATGTCAGATGGAGAGA[A>C]GATGCAAAGCTTCATGGGATCACCTCAAGGCAATTGCAAAACATGAAATGAAACCAGTTT-3'
Protein context (NP_001268669.1, residues 1353-1373): LQDNLCQMER[Arg1363=]CKASWDHLKA